The following is an entry in ClinVar:

NM_003803.4(MYOM1):c.625A>C (p.Thr209Pro)

Gene: MYOM1 (myomesin 1; minus strand). Cytogenetic location: 18p11.31.
Variant type: single nucleotide variant.
Coding change: c.625A>C on transcript NM_003803.4 (MANE Select); coding-DNA position 625, A replaced by C.
Protein change: p.Thr209Pro; replaces threonine 209 with proline.
Molecular consequence: missense variant.
Genome position (GRCh38, 1-based): chr18:3,188,894, T>G on the plus strand (A>C on the coding strand, the complement: MYOM1 is on the minus strand). VCF-style: chr18-3188894-T-G. GRCh37 (hg19) VCF-style: chr18-3188892-T-G.
Other names: c.625A>C, p.Thr209Pro (NM_019856.2); short protein forms T209P.
Identifiers: ClinVar variation 4555383 (VCV004555383.1).
Genomic context (GRCh38, chr18:3,188,894, plus strand): 5'-CGGATGTGGCCTGTTTGGAAACCACAGACTGCCTGGATGCCGTGGACTGCCTGGATGCCG[T>G]GGACTGCTTGGATGCTGTGGACTGCTTGGATGCCGTGGACTGCTTAGATGCCGTGGTCTG-3'
Protein context (NP_003794.3, residues 199-219): SKQSTASKQS[Thr209Pro]ASRQSTASRQ

ClinVar aggregate classification (germline): Uncertain significance (1 of 4 stars; one submission).

Submission:

Ambry Genetics
Classification: Uncertain significance. Last evaluated: 2025-10-29. Review status: criteria provided, single submitter. Criteria: Ambry Variant Classification Scheme 2023. Collection method: clinical testing. Allele origin: germline.
Comment: The p.T209P variant (also known as c.625A>C), located in coding exon 3 of the MYOM1 gene, results from an A to C substitution at nucleotide position 625. The threonine at codon 209 is replaced by proline, an amino acid with highly similar properties. This amino acid position is conserved. In addition, this alteration is predicted to be tolerated by in silico analysis. Based on the available evidence, the clinical significance of this variant remains unclear.